The following is an entry in ClinVar:

ClinVar aggregate classification (germline): Uncertain significance (1 of 4 stars; one submission).

Conditions:
STAT3 gain of function. Identifiers: MedGen C4288261.
Hyper-IgE recurrent infection syndrome 1, autosomal dominant. Also called: HYPER-IgE SYNDROME 1, AUTOSOMAL DOMINANT, WITH RECURRENT INFECTIONS; JOB SYNDROME; Job's Syndrome; STAT3 Hyper IgE Syndrome; Hyper-IgE recurrent infection syndrome 1. Identifiers: Orphanet 2314, MedGen C2936739, MONDO:0007818, OMIM 147060.

Submission:

Labcorp Genetics (formerly Invitae), Labcorp
Classification: Uncertain significance for STAT3 gain of function; Hyper-IgE recurrent infection syndrome 1, autosomal dominant. Last evaluated: 2022-08-19. Review status: criteria provided, single submitter. Criteria: Invitae Variant Classification Sherloc (09022015). Collection method: clinical testing. Allele origin: germline.
Comment: Algorithms developed to predict the effect of missense changes on protein structure and function are either unavailable or do not agree on the potential impact of this missense change (SIFT: "Tolerated"; PolyPhen-2: "Possibly Damaging"; Align-GVGD: "Class C0"). ClinVar contains an entry for this variant (Variation ID: 1372167). In summary, the available evidence is currently insufficient to determine the role of this variant in disease. Therefore, it has been classified as a Variant of Uncertain Significance. This variant is not present in population databases (gnomAD no frequency). This variant has not been reported in the literature in individuals affected with STAT3-related conditions. This sequence change replaces alanine, which is neutral and non-polar, with valine, which is neutral and non-polar, at codon 475 of the STAT3 protein (p.Ala475Val).

NM_139276.3(STAT3):c.1424C>T (p.Ala475Val)

Gene: STAT3 (signal transducer and activator of transcription 3; minus strand). Cytogenetic location: 17q21.2.
Variant type: single nucleotide variant.
Coding change: c.1424C>T on transcript NM_139276.3 (MANE Select); coding-DNA position 1424, C replaced by T.
Protein change: p.Ala475Val; replaces alanine 475 with valine.
Molecular consequence: missense variant.
Genome position (GRCh38, 1-based): chr17:42,325,003, G>A on the plus strand (C>T on the coding strand, the complement: STAT3 is on the minus strand). VCF-style: chr17-42325003-G-A. GRCh37 (hg19) VCF-style: chr17-40477021-G-A.
Other names: c.1424C>T, p.Ala475Val (NM_001369512.1, NM_001369513.1, NM_001369514.1 and 11 more transcripts); c.1340C>T, p.Ala447Val (NM_001384984.1); c.1346C>T, p.Ala449Val (NM_001384985.1); c.1439C>T, p.Ala480Val (NM_001384986.1, NM_001384990.1); c.1328C>T, p.Ala443Val (NM_001384989.1); c.1364C>T, p.Ala455Val (NM_001384992.1); short protein forms A475V, A480V, A447V, A443V, A449V, A455V.
Identifiers: ClinVar variation 1372167 (VCV001372167.6), dbSNP rs2144718172, ClinGen allele CA399587193.